The following is an entry in ClinVar:

ClinVar aggregate classification (germline): Uncertain significance (1 of 4 stars; one submission).

Conditions:
Epilepsy, X-linked 1, with variable learning disabilities and behavior disorders. Also called: X-linked epilepsy-learning disabilities-behavior disorders syndrome. Identifiers: Orphanet 85294, MedGen C5774177, MONDO:0010339, OMIM 300491.

Submission:

Department of Genetics, Sultan Qaboos University Hospital
Classification: Uncertain significance for Epilepsy, X-linked 1, with variable learning disabilities and behavior disorders. Last evaluated: 2026-04-01. Review status: criteria provided, single submitter. Criteria: ACMG Guidelines, 2015. Collection method: clinical testing. Allele origin: germline. Affected: yes. Observed: 1 variant allele.
Comment: PM2_Supporting, BP4_Moderate, PP1_Moderate

NM_006950.3(SYN1):c.694A>G (p.Met232Val)

Gene: SYN1 (synapsin I; minus strand). Cytogenetic location: Xp11.23.
Variant type: single nucleotide variant.
Coding change: c.694A>G on transcript NM_006950.3 (MANE Select); coding-DNA position 694, A replaced by G.
Protein change: p.Met232Val; replaces methionine 232 with valine.
Molecular consequence: missense variant.
Genome position (GRCh38, 1-based): chrX:47,605,058, T>C on the plus strand (A>G on the coding strand, the complement: SYN1 is on the minus strand). VCF-style: chrX-47605058-T-C. GRCh37 (hg19) VCF-style: chrX-47464457-T-C.
Other names: c.694A>G, p.Met232Val (NM_133499.2); short protein forms M232V.
Identifiers: ClinVar variation 4852425 (VCV004852425.1).